The following is an entry in ClinVar:

ClinVar aggregate classification (germline): Pathogenic/Likely pathogenic. Review status: criteria provided, multiple submitters, no conflicts (2 of 4 stars). 2 submissions from 2 submitters: Pathogenic (1); Likely pathogenic (1). Last evaluated 2026-01-12.

Conditions:
Ehlers-Danlos syndrome, classic type, 1 (EDSCL1). Also called: EHLERS-DANLOS SYNDROME, GRAVIS TYPE; EHLERS-DANLOS SYNDROME, SEVERE CLASSIC TYPE; Ehlers-Danlos syndrome, type 1; EDS I; Ehlers-Danlos Syndrome, Classic Type, COL5A1-Related. Identifiers: MedGen C0268335, MONDO:0019567, OMIM 130000.
Osteogenesis imperfecta type I (OI1). Also called: OI, TYPE I; OSTEOGENESIS IMPERFECTA TARDA; OSTEOGENESIS IMPERFECTA WITH BLUE SCLERAE; Osteogenesis imperfecta type 1; Lobstein's Disease; Lobstein disease. Identifiers: Orphanet 216796, Orphanet 666, MedGen C0023931, MONDO:0008146, OMIM 166200. Disease mechanism: loss of function.

Submissions (2):

Dasa
Classification: Likely pathogenic. Last evaluated: 2026-01-12. Review status: criteria provided, single submitter. Criteria: DASA Assertion Criteria. Collection method: clinical testing. Allele origin: germline.
Comment: NM_000089.4(COL1A2):c.1675G>A (p.Gly559Ser) is a missense variant that results in the substitution of glycine with serine. The affected residue or protein region has prior evidence supporting clinical relevance. This variant is rare in population databases. Computational evidence supports a deleterious effect. Based on the currently available evidence, this variant is classified as likely pathogenic.

Labcorp Genetics (formerly Invitae), Labcorp
Classification: Pathogenic for Osteogenesis imperfecta type I; Ehlers-Danlos syndrome, classic type, 1. Last evaluated: 2024-02-24. Review status: criteria provided, single submitter. Criteria: Invitae Variant Classification Sherloc (09022015). Collection method: clinical testing. Allele origin: germline.
Comment: This sequence change replaces glycine, which is neutral and non-polar, with serine, which is neutral and polar, at codon 559 of the COL1A2 protein (p.Gly559Ser). This variant is not present in population databases (gnomAD no frequency). This missense change has been observed in individual(s) with autosomal dominant osteogenesis imperfecta (Invitae). ClinVar contains an entry for this variant (Variation ID: 2094761). Advanced modeling of protein sequence and biophysical properties (such as structural, functional, and spatial information, amino acid conservation, physicochemical variation, residue mobility, and thermodynamic stability) performed at Invitae indicates that this missense variant is expected to disrupt COL1A2 protein function with a positive predictive value of 95%. This variant disrupts the triple helix domain of COL1A2. Glycine residues within the Gly-Xaa-Yaa repeats of the triple helix domain are required for the structure and stability of fibrillar collagens (PMID: 7695699, 8218237, 19344236). In COL1A2, variants affecting these glycine residues are significantly enriched in individuals with disease (PMID: 9016532, 17078022) compared to the general population (ExAC). For these reasons, this variant has been classified as Pathogenic.

Literature cited by the submitters: PubMed 7695699 (cited by Labcorp Genetics (formerly Invitae), Labcorp); PubMed 8218237 (cited by Labcorp Genetics (formerly Invitae), Labcorp); PubMed 19344236 (cited by Labcorp Genetics (formerly Invitae), Labcorp); PubMed 9016532 (cited by Labcorp Genetics (formerly Invitae), Labcorp); PubMed 17078022 (cited by Labcorp Genetics (formerly Invitae), Labcorp).

NM_000089.4(COL1A2):c.1675G>A (p.Gly559Ser)

Gene: COL1A2 (collagen type I alpha 2 chain; plus strand). Cytogenetic location: 7q21.3.
Variant type: single nucleotide variant.
Coding change: c.1675G>A on transcript NM_000089.4 (MANE Select); coding-DNA position 1675, G replaced by A.
Protein change: p.Gly559Ser; replaces glycine 559 with serine.
Molecular consequence: missense variant.
Genome position (GRCh38, 1-based): chr7:94,414,231, G>A. VCF-style: chr7-94414231-G-A. GRCh37 (hg19) VCF-style: chr7-94043543-G-A.
Other names: short protein forms G559S.
Identifiers: ClinVar variation 2094761 (VCV002094761.6), dbSNP rs2484716719, ClinGen allele CA368222355.